The following is an entry in ClinVar:

NM_001111.5(ADAR):c.1994A>G (p.Lys665Arg)

Gene: ADAR (adenosine deaminase RNA specific; minus strand). Cytogenetic location: 1q21.3.
Variant type: single nucleotide variant.
Coding change: c.1994A>G on transcript NM_001111.5 (MANE Select); coding-DNA position 1994, A replaced by G.
Protein change: p.Lys665Arg; replaces lysine 665 with arginine.
Molecular consequence: missense variant.
Genome position (GRCh38, 1-based): chr1:154,597,208, T>C on the plus strand (A>G on the coding strand, the complement: ADAR is on the minus strand). VCF-style: chr1-154597208-T-C. GRCh37 (hg19) VCF-style: chr1-154569684-T-C.
Other names: c.1994A>G, p.Lys665Arg (NM_015841.4, NM_015840.4); c.1109A>G, p.Lys370Arg (NM_001025107.3, NM_001193495.2, NM_001365046.1 and 3 more transcripts); c.2021A>G, p.Lys674Arg (NM_001365045.1); short protein forms K370R, K665R, K674R.
Identifiers: ClinVar variation 3751393 (VCV003751393.2).

ClinVar aggregate classification (germline): Uncertain significance (1 of 4 stars; one submission).

Conditions:
Symmetrical dyschromatosis of extremities (DSH). Also called: DYSCHROMATOSIS SYMMETRICA HEREDITARIA 1; RETICULATE ACROPIGMENTATION OF DOHI; SYMMETRIC DYSCHROMATOSIS OF THE EXTREMITIES; Dyschromatosis symmetrica hereditaria. Identifiers: Orphanet 41, MedGen C0406775, MONDO:0007483, OMIM 127400.
Aicardi-Goutieres syndrome 6 (AGS6). Identifiers: Orphanet 51, MedGen C3539013, MONDO:0014007, OMIM 615010.

Submission:

Labcorp Genetics (formerly Invitae), Labcorp
Classification: Uncertain significance for Aicardi-Goutieres syndrome 6; Symmetrical dyschromatosis of extremities. Last evaluated: 2024-02-22. Review status: criteria provided, single submitter. Criteria: Invitae Variant Classification Sherloc (09022015). Collection method: clinical testing. Allele origin: germline.
Comment: This sequence change replaces lysine, which is basic and polar, with arginine, which is basic and polar, at codon 665 of the ADAR protein (p.Lys665Arg). This variant is not present in population databases (gnomAD no frequency). This variant has not been reported in the literature in individuals affected with ADAR-related conditions. Advanced modeling of protein sequence and biophysical properties (such as structural, functional, and spatial information, amino acid conservation, physicochemical variation, residue mobility, and thermodynamic stability) has been performed at Invitae for this missense variant, however the output from this modeling did not meet the statistical confidence thresholds required to predict the impact of this variant on ADAR protein function. In summary, the available evidence is currently insufficient to determine the role of this variant in disease. Therefore, it has been classified as a Variant of Uncertain Significance.